The following is an entry in ClinVar:

ClinVar aggregate classification (germline): Uncertain significance. Review status: criteria provided, multiple submitters, no conflicts (2 of 4 stars). 7 submissions from 7 submitters: Uncertain significance (6). 1 of the submissions does not count toward it. Last evaluated 2026-01-21.

Conditions:
SCN4A-related disorder. Also called: SCN4A-related disorders.
Potassium-aggravated myotonia. Also called: Myotonia congenita, atypical, acetazolamide-responsive; MYOTONIA CONGENITA, ACETAZOLAMIDE-RESPONSIVE; MYOTONIA CONGENITA, ATYPICAL; SODIUM CHANNEL MUSCLE DISEASE. Identifiers: Orphanet 612, Orphanet 99734, Orphanet 99735, Orphanet 99736, MedGen C2931826, MONDO:0018959, OMIM 608390.
Congenital myasthenic syndrome 16. Identifiers: Orphanet 590, MedGen C3280112, MONDO:0013620, OMIM 614198.
Paramyotonia congenita of Von Eulenburg. Also called: Paramyotonia Congenita; PARALYSIS PERIODICA PARAMYOTONICA; Eulenburg disease; Myotonia congenita intermittens; Von Eulenburg paramyotonia congenita. Identifiers: Orphanet 684, MedGen C0221055, MONDO:0008195, OMIM 168300. Disease mechanism: loss of function.
Hypokalemic periodic paralysis, type 2 (HOKPP2). Identifiers: Orphanet 681, MedGen C2750061, MONDO:0013234, OMIM 613345.
Congenital myopathy 22A, classic (CMYO22A). Identifiers: MedGen C5830453, MONDO:0957247, OMIM 620351.
Congenital myopathy 22B, severe fetal (CMYO22B). Identifiers: MedGen C5830501, MONDO:0957265, OMIM 620369.
Hyperkalemic periodic paralysis. Also called: Familial hyperkalemic periodic paralysis; Gamstorp disease. Identifiers: Orphanet 682, MedGen C0238357, MONDO:0008224, OMIM 170500, HP:0007215.
Inborn genetic diseases. Identifiers: MedGen C0950123, MeSH D030342.

Allele frequency attached by ClinVar (database versions not stated): gnomAD exomes 0.00004; TOPMed 0.00002; ExAC 0.00008; gnomAD 0.00005; ESP Exome Variant Server 0.00008.
gnomAD v4.1: 65 of 1,613,510 alleles (0.004%); highest among the groups gnomAD compares: Non-Finnish European, 0.0053%; no homozygotes.

Submissions (7):

Labcorp Genetics (formerly Invitae), Labcorp
Classification: Uncertain significance for Hyperkalemic periodic paralysis. Last evaluated: 2026-01-21. Review status: criteria provided, single submitter. Criteria: Invitae Variant Classification Sherloc (09022015). Collection method: clinical testing. Allele origin: germline.
Comment: This sequence change replaces isoleucine, which is neutral and non-polar, with threonine, which is neutral and polar, at codon 129 of the SCN4A protein (p.Ile129Thr). This variant is present in population databases (rs369652972, gnomAD 0.009%). This variant has not been reported in the literature in individuals affected with SCN4A-related conditions. ClinVar contains an entry for this variant (Variation ID: 1005233). Invitae Evidence Modeling of protein sequence and biophysical properties (such as structural, functional, and spatial information, amino acid conservation, physicochemical variation, residue mobility, and thermodynamic stability) has been performed for this missense variant. However, the output from this modeling did not meet the statistical confidence thresholds required to predict the impact of this variant on SCN4A protein function. In summary, the available evidence is currently insufficient to determine the role of this variant in disease. Therefore, it has been classified as a Variant of Uncertain Significance.

Athena Diagnostics
Classification: Uncertain significance. Last evaluated: 2024-11-11. Review status: criteria provided, single submitter. Criteria: Athena Diagnostics Criteria. Collection method: clinical testing. Allele origin: unknown.

GeneDx
Classification: Uncertain significance. Last evaluated: 2024-05-05. Review status: criteria provided, single submitter. Criteria: GeneDx Variant Classification Process June 2021. Collection method: clinical testing. Allele origin: germline. Affected: yes.
Comment: In silico analysis supports that this missense variant has a deleterious effect on protein structure/function; Has not been previously published as pathogenic or benign to our knowledge

Fulgent Genetics
Classification: Uncertain significance for Paramyotonia congenita of Von Eulenburg; Hyperkalemic periodic paralysis; Potassium-aggravated myotonia; Hypokalemic periodic paralysis, type 2; Congenital myasthenic syndrome 16; Congenital myopathy 22A, classic; Congenital myopathy 22B, severe fetal. Last evaluated: 2024-02-28. Review status: criteria provided, single submitter. Criteria: ACMG Guidelines, 2015. Collection method: clinical testing. Allele origin: germline.

Revvity Omics, Revvity
Classification: Uncertain significance. Last evaluated: 2023-11-28. Review status: criteria provided, single submitter. Criteria: ACMG Guidelines, 2015. Collection method: clinical testing. Allele origin: germline.

Ambry Genetics
Classification: Uncertain significance for Inborn genetic diseases. Last evaluated: 2022-02-11. Review status: criteria provided, single submitter. Criteria: Ambry Variant Classification Scheme 2023. Collection method: clinical testing. Allele origin: germline.

PreventionGenetics, part of Exact Sciences
Classification: Uncertain significance for SCN4A-related condition. Last evaluated: 2024-09-25. Review status: no assertion criteria provided. Collection method: clinical testing. Allele origin: germline. Not counted in ClinVar's aggregate classification.
Comment: The SCN4A c.386T>C variant is predicted to result in the amino acid substitution p.Ile129Thr. To our knowledge, this variant has not been reported in the literature. This variant is reported in 0.0086% of alleles in individuals of European (non-Finnish) descent in gnomAD. At this time, the clinical significance of this variant is uncertain due to the absence of conclusive functional and genetic evidence.

NM_000334.4(SCN4A):c.386T>C (p.Ile129Thr)

Gene: SCN4A (sodium voltage-gated channel alpha subunit 4; minus strand). Cytogenetic location: 17q23.3.
Variant type: single nucleotide variant.
Coding change: c.386T>C on transcript NM_000334.4 (MANE Select); coding-DNA position 386, T replaced by C.
Protein change: p.Ile129Thr; replaces isoleucine 129 with threonine.
Molecular consequence: missense variant.
Genome position (GRCh38, 1-based): chr17:63,972,358, A>G on the plus strand (T>C on the coding strand, the complement: SCN4A is on the minus strand). VCF-style: chr17-63972358-A-G. GRCh37 (hg19) VCF-style: chr17-62049718-A-G.
Other names: short protein forms I129T.
Identifiers: ClinVar variation 1005233 (VCV001005233.16), dbSNP rs369652972, ClinGen allele CA8710190.